The following is an entry in ClinVar:

ClinVar aggregate classification (germline): Uncertain significance (1 of 4 stars; one submission).

Conditions:
Hereditary spastic paraplegia 39 (SPG39). Also called: SPASTIC PARAPLEGIA 39, AUTOSOMAL RECESSIVE; Spastic Paraplegia Type 39 (SPG39). Identifiers: Orphanet 139480, MedGen C2677586, MONDO:0012787, OMIM 612020.

gnomAD v4.1: 7 of 1,606,594 alleles (0.00044%); highest among the groups gnomAD compares: Non-Finnish European, 0.00059%; no homozygotes.

Submission:

Labcorp Genetics (formerly Invitae), Labcorp
Classification: Uncertain significance for Hereditary spastic paraplegia 39. Last evaluated: 2022-08-12. Review status: criteria provided, single submitter. Criteria: Invitae Variant Classification Sherloc (09022015). Collection method: clinical testing. Allele origin: germline.
Comment: This variant has not been reported in the literature in individuals affected with PNPLA6-related conditions. This variant is not present in population databases (gnomAD no frequency). This sequence change replaces proline, which is neutral and non-polar, with serine, which is neutral and polar, at codon 374 of the PNPLA6 protein (p.Pro374Ser). In summary, the available evidence is currently insufficient to determine the role of this variant in disease. Therefore, it has been classified as a Variant of Uncertain Significance. Algorithms developed to predict the effect of missense changes on protein structure and function are either unavailable or do not agree on the potential impact of this missense change (SIFT: "Deleterious"; PolyPhen-2: "Probably Damaging"; Align-GVGD: "Class C0").

NM_001166114.2(PNPLA6):c.1237C>T (p.Pro413Ser)

Gene: PNPLA6 (patatin like domain 6, lysophospholipase; plus strand). Cytogenetic location: 19p13.2.
Variant type: single nucleotide variant.
Coding change: c.1237C>T on transcript NM_001166114.2 (MANE Select); coding-DNA position 1237, C replaced by T.
Protein change: p.Pro413Ser; replaces proline 413 with serine.
Molecular consequence: missense variant.
Genome position (GRCh38, 1-based): chr19:7,542,052, C>T. VCF-style: chr19-7542052-C-T. GRCh37 (hg19) VCF-style: chr19-7606938-C-T.
Other names: c.1264C>T, p.Pro422Ser (NM_001166111.2); c.1120C>T, p.Pro374Ser (NM_001166112.2, NM_001166113.1, NM_006702.5); short protein forms P374S, P413S, P422S.
Identifiers: ClinVar variation 1716267 (VCV001716267.3), dbSNP rs768468367, ClinGen allele CA304864953.